The following is an entry in ClinVar:

ClinVar aggregate classification (germline): Uncertain significance (1 of 4 stars; one submission).

Conditions:
Cardiac arrhythmia. Also called: Arrhythmia; Cardiac rhythm disease. Identifiers: MedGen C0003811, MONDO:0007263, HP:0011675.

Submission:

Color Diagnostics, LLC DBA Color Health
Classification: Uncertain significance for Cardiac arrhythmia. Last evaluated: 2021-12-15. Review status: criteria provided, single submitter. Criteria: ACMG Guidelines, 2015. Collection method: clinical testing. Allele origin: germline.
Comment: This variant causes a deletion of lsioleucine at codon 123 of the the KCNH2 protein. To our knowledge, functional studies have not been reported for this variant. This variant has been reported in an individual affected with long QT syndrome (PMID: 32893267). This variant has not been identified in the general population by the Genome Aggregation Database (gnomAD). The available evidence is insufficient to determine the role of this variant in disease conclusively. Therefore, this variant is classified as a Variant of Uncertain Significance.

Literature cited by the submitters: PubMed 32893267.

NM_000238.4(KCNH2):c.366CAT[1] (p.Ile123del)

Gene: KCNH2 (potassium voltage-gated channel subfamily H member 2; minus strand). Cytogenetic location: 7q36.1.
Variant type: Microsatellite.
Coding change: c.366CAT[1] on transcript NM_000238.4 (MANE Select); one copy of the 3-base unit CAT starting at c.366; the reference has two copies in a row; one copy, 3 bases deleted; also written c.369_371del.
Protein change: p.Ile123del; deletes isoleucine 123.
Molecular consequence: inframe deletion. On other transcripts: non-coding transcript variant (1).
Genome position (GRCh38, 1-based): chr7:150,959,673-150,959,675, ATG deleted on the plus strand (CAT on the coding strand, the reverse complement: KCNH2 is on the minus strand); deleting any 3 consecutive bases within chr7:150,959,673-150,959,679 gives the same sequence; the position shown is the placement nearest the transcript's 3' end. VCF-style (leftmost placement, unchanged base first): chr7-150959672-CATG-C. GRCh37 (hg19) VCF-style: chr7-150656760-CATG-C.
Other names: c.369_371del (NM_000238.4); c.78CAT[1], p.Ile27del (NM_001406753.1, NM_001406756.1); c.189CAT[1], p.Ile64del (NM_001406755.1); c.66CAT[1], p.Ile23del (NM_001406757.1); c.366CAT[1], p.Ile123del (NM_172056.3); short protein forms I64del, I27del, I123del, I23del.
Identifiers: ClinVar variation 2773457 (VCV002773457.2), dbSNP rs2486101151, ClinGen allele CA2697549701.